The following is an entry in ClinVar:

ClinVar aggregate classification (germline): Conflicting classifications of pathogenicity. Review status: criteria provided, conflicting classifications (1 of 4 stars). 10 submissions from 6 submitters: Uncertain significance (7); Likely benign (2). 1 of the submissions does not count toward it. Last evaluated 2026-01-20.

Conditions:
Leber congenital amaurosis 10 (LCA10). Identifiers: Orphanet 65, MedGen C1857821, MONDO:0012723, OMIM 611755.
Meckel syndrome, type 4 (MKS4). Also called: MECKEL-GRUBER SYNDROME, TYPE 4. Identifiers: Orphanet 564, MedGen C1970161, MONDO:0012626, OMIM 611134.
Senior-Loken syndrome 6 (SLSN6). Identifiers: Orphanet 3156, MedGen C1857779, MONDO:0012433, OMIM 610189.
Joubert syndrome 5 (JBTS5). Identifiers: Orphanet 2318, MedGen C1857780, MONDO:0012432, OMIM 610188.
Meckel-Gruber syndrome. Also called: GRUBER SYNDROME; DYSENCEPHALIA SPLANCHNOCYSTICA; Dysencephalia splachnocystica. Identifiers: Orphanet 564, MedGen C0265215, MONDO:0018921.
Joubert syndrome. Also called: JOUBERT-BOLTSHAUSER SYNDROME; Familial aplasia of the vermis. Identifiers: Orphanet 475, MedGen C5979921, MONDO:0018772.
Nephronophthisis. Also called: Juvenile Nephronophthisis. Identifiers: Orphanet 655, MedGen C0687120, MONDO:0019005, HP:0000090.
Bardet-Biedl syndrome 14 (BBS14). Identifiers: Orphanet 110, MedGen C2673874, MONDO:0014442, OMIM 615991.
Leber congenital amaurosis (LCA). Also called: Leber's amaurosis. Identifiers: Orphanet 65, MedGen C0339527, MeSH D057130, MONDO:0018998.

Allele frequency attached by ClinVar (database versions not stated): TOPMed 0.00025; gnomAD 0.00031 and 0.00032; gnomAD exomes 0.00049; ESP Exome Variant Server 0.00068; ExAC 0.00081; 1000 Genomes Project 30x 0.00016; 1000 Genomes Project 0.00020.

Submissions (10):

Labcorp Genetics (formerly Invitae), Labcorp
Classification: Likely benign for Joubert syndrome; Meckel-Gruber syndrome; Nephronophthisis. Last evaluated: 2026-01-20. Review status: criteria provided, single submitter. Criteria: Invitae Variant Classification Sherloc (09022015). Collection method: clinical testing. Allele origin: germline.

Blueprint Genetics
Classification: Likely benign. Last evaluated: 2024-11-26. Review status: criteria provided, single submitter. Criteria: ACMG Guidelines, 2015. Collection method: clinical testing. Allele origin: germline.

GeneDx
Classification: Uncertain significance. Last evaluated: 2022-11-22. Review status: criteria provided, single submitter. Criteria: GeneDx Variant Classification Process June 2021. Collection method: clinical testing. Allele origin: germline. Affected: yes.
Comment: In silico analysis supports that this missense variant does not alter protein structure/function; Has not been previously published as pathogenic or benign to our knowledge

New York Genome Center
Classification: Uncertain significance for Leber congenital amaurosis 10; Senior-Loken syndrome 6; Meckel syndrome, type 4; Joubert syndrome 5. Last evaluated: 2021-12-09. Review status: criteria provided, single submitter. Criteria: NYGC Assertion Criteria 2020. Collection method: clinical testing. Allele origin: germline. Observed: 1 heterozygote.

Illumina Laboratory Services, Illumina
Classification: Uncertain significance for Senior-Loken syndrome 6. Last evaluated: 2018-01-13. Review status: criteria provided, single submitter. Criteria: ICSL Variant Classification Criteria 13 December 2019. Collection method: clinical testing. Allele origin: germline.

Illumina Laboratory Services, Illumina
Classification: Uncertain significance for Bardet-Biedl syndrome 14. Last evaluated: 2018-01-13. Review status: criteria provided, single submitter. Criteria: ICSL Variant Classification Criteria 13 December 2019. Collection method: clinical testing. Allele origin: germline.

Illumina Laboratory Services, Illumina
Classification: Uncertain significance for Meckel syndrome, type 4. Last evaluated: 2018-01-13. Review status: criteria provided, single submitter. Criteria: ICSL Variant Classification Criteria 13 December 2019. Collection method: clinical testing. Allele origin: germline.

Illumina Laboratory Services, Illumina
Classification: Uncertain significance for Leber congenital amaurosis 10. Last evaluated: 2018-01-13. Review status: criteria provided, single submitter. Criteria: ICSL Variant Classification Criteria 13 December 2019. Collection method: clinical testing. Allele origin: germline.

Illumina Laboratory Services, Illumina
Classification: Uncertain significance for Joubert syndrome 5. Last evaluated: 2018-01-13. Review status: criteria provided, single submitter. Criteria: ICSL Variant Classification Criteria 13 December 2019. Collection method: clinical testing. Allele origin: germline.

Natera, Inc.
Classification: Likely benign for Leber congenital amaurosis. Last evaluated: 2020-01-17. Review status: no assertion criteria provided. Collection method: clinical testing. Allele origin: germline. Not counted in ClinVar's aggregate classification.

NM_025114.4(CEP290):c.1908A>T (p.Lys636Asn)

Gene: CEP290 (centrosomal protein 290; minus strand). Cytogenetic location: 12q21.32.
Variant type: single nucleotide variant.
Coding change: c.1908A>T on transcript NM_025114.4 (MANE Select); coding-DNA position 1908, A replaced by T.
Protein change: p.Lys636Asn; replaces lysine 636 with asparagine.
Molecular consequence: missense variant.
Genome position (GRCh38, 1-based): chr12:88,115,099, T>A on the plus strand (A>T on the coding strand, the complement: CEP290 is on the minus strand). VCF-style: chr12-88115099-T-A. GRCh37 (hg19) VCF-style: chr12-88508876-T-A.
Other names: short protein forms K636N.
Identifiers: ClinVar variation 310616 (VCV000310616.21), dbSNP rs199747962, ClinGen allele CA6712437.